The following is an entry in ClinVar:

ClinVar aggregate classification (germline): Uncertain significance (1 of 4 stars; one submission).

Allele frequency attached by ClinVar (database versions not stated): gnomAD exomes 0.00001; TOPMed 0.00002; gnomAD 0.00003; ESP Exome Variant Server 0.00008.
gnomAD v4.1: 18 of 1,613,836 alleles (0.0011%); highest among the groups gnomAD compares: Admixed American, 0.0017%; no homozygotes.

Submission:

Labcorp Genetics (formerly Invitae), Labcorp
Classification: Uncertain significance. Last evaluated: 2021-09-02. Review status: criteria provided, single submitter. Criteria: Invitae Variant Classification Sherloc (09022015). Collection method: clinical testing. Allele origin: germline.
Comment: This sequence change replaces proline with serine at codon 758 of the ARHGEF18 protein (p.Pro758Ser). The proline residue is weakly conserved and there is a moderate physicochemical difference between proline and serine. This variant is not present in population databases (ExAC no frequency). This variant has not been reported in the literature in individuals affected with ARHGEF18-related conditions. Algorithms developed to predict the effect of missense changes on protein structure and function output the following: SIFT: "Tolerated"; PolyPhen-2: "Benign"; Align-GVGD: "Class C0". The serine amino acid residue is found in multiple mammalian species, which suggests that this missense change does not adversely affect protein function. In summary, the available evidence is currently insufficient to determine the role of this variant in disease. Therefore, it has been classified as a Variant of Uncertain Significance.

NM_001367823.1(ARHGEF18):c.2836C>T (p.Pro946Ser)

Gene: ARHGEF18 (Rho/Rac guanine nucleotide exchange factor 18; plus strand). Cytogenetic location: 19p13.2.
Variant type: single nucleotide variant.
Coding change: c.2836C>T on transcript NM_001367823.1 (MANE Select); coding-DNA position 2836, C replaced by T.
Protein change: p.Pro946Ser; replaces proline 946 with serine.
Molecular consequence: missense variant.
Genome position (GRCh38, 1-based): chr19:7,464,622, C>T. VCF-style: chr19-7464622-C-T. GRCh37 (hg19) VCF-style: chr19-7529508-C-T.
Other names: c.2110C>T, p.Pro704Ser (NM_001130955.2); c.1798C>T, p.Pro600Ser (NM_001367824.1, NM_015318.4); short protein forms P600S, P704S, P946S.
Identifiers: ClinVar variation 1018000 (VCV001018000.6), dbSNP rs139001377, ClinGen allele CA304854977.